The following is an entry in ClinVar:

ClinVar aggregate classification (germline): Uncertain significance (1 of 4 stars; one submission).

Allele frequency attached by ClinVar (database versions not stated): gnomAD exomes below 0.00001.
gnomAD v4.1: 1 of 1,592,338 alleles (0.000063%); highest among the groups gnomAD compares: Admixed American, 0.0017%; no homozygotes.

Submission:

Labcorp Genetics (formerly Invitae), Labcorp
Classification: Uncertain significance. Last evaluated: 2022-07-19. Review status: criteria provided, single submitter. Criteria: Invitae Variant Classification Sherloc (09022015). Collection method: clinical testing. Allele origin: germline.
Comment: In summary, the available evidence is currently insufficient to determine the role of this variant in disease. Therefore, it has been classified as a Variant of Uncertain Significance. Algorithms developed to predict the effect of missense changes on protein structure and function are either unavailable or do not agree on the potential impact of this missense change (SIFT: "Deleterious"; PolyPhen-2: "Probably Damaging"; Align-GVGD: "Class C0"). ClinVar contains an entry for this variant (Variation ID: 1059684). This variant has not been reported in the literature in individuals affected with RGS9BP-related conditions. This variant is not present in population databases (gnomAD no frequency). This sequence change replaces leucine, which is neutral and non-polar, with glutamine, which is neutral and polar, at codon 58 of the RGS9BP protein (p.Leu58Gln).

NM_207391.3(RGS9BP):c.173T>A (p.Leu58Gln)

Gene: RGS9BP (regulator of G protein signaling 9 binding protein; plus strand). Cytogenetic location: 19q13.11.
Variant type: single nucleotide variant.
Coding change: c.173T>A on transcript NM_207391.3 (MANE Select); coding-DNA position 173, T replaced by A.
Protein change: p.Leu58Gln; replaces leucine 58 with glutamine.
Molecular consequence: missense variant.
Genome position (GRCh38, 1-based): chr19:32,676,436, T>A. VCF-style: chr19-32676436-T-A. GRCh37 (hg19) VCF-style: chr19-33167342-T-A.
Other names: short protein forms L58Q.
Identifiers: ClinVar variation 1059684 (VCV001059684.9), dbSNP rs2145338695, ClinGen allele CA405185724.
Genomic context (GRCh38, chr19:32,676,436, plus strand): 5'-AGGAGCTGCAAAAGACGCGCCAGAAGGCGCAGGAGCTGGCGGTGTCCACCTGCGCCCGGC[T>A]GACTGCTGTGCTGCGCGACCGGGGCCTGGCCGCCGACGAGCGCGCCGAGTTCGAGCGGCT-3'
Protein context (NP_997274.2, residues 48-68): QELAVSTCAR[Leu58Gln]TAVLRDRGLA